The following is an entry in ClinVar:

ClinVar aggregate classification (germline): Uncertain significance (1 of 4 stars; one submission).

gnomAD v4.1: 1 of 1,601,912 alleles (0.000062%); highest among the groups gnomAD compares: Non-Finnish European, 0.000085%; no homozygotes.

Submission:

Ambry Genetics
Classification: Uncertain significance. Last evaluated: 2023-08-04. Review status: criteria provided, single submitter. Criteria: Ambry Variant Classification Scheme 2023. Collection method: clinical testing. Allele origin: germline.
Comment: The p.L570F variant (also known as c.1710G>C), located in coding exon 13 of the RECQL gene, results from a G to C substitution at nucleotide position 1710. The leucine at codon 570 is replaced by phenylalanine, an amino acid with highly similar properties. This amino acid position is well conserved in available vertebrate species. In addition, this alteration is predicted to be tolerated by in silico analysis. Since supporting evidence is limited at this time, the clinical significance of this alteration remains unclear.

NM_002907.4(RECQL):c.1710G>C (p.Leu570Phe)

Genes: PYROXD1 (pyridine nucleotide-disulphide oxidoreductase domain 1; plus strand), RECQL (RecQ like helicase; minus strand). Cytogenetic location: 12p12.1.
Variant type: single nucleotide variant.
Coding change: c.1710G>C on transcript NM_002907.4 (MANE Select); coding-DNA position 1710, G replaced by C.
Protein change: p.Leu570Phe; replaces leucine 570 with phenylalanine.
Molecular consequence: missense variant. On other transcripts: 3 prime UTR variant (3).
Genome position (GRCh38, 1-based): chr12:21,471,056, C>G on the plus strand (G>C on the coding strand, the complement: RECQL is on the minus strand). VCF-style: chr12-21471056-C-G. GRCh37 (hg19) VCF-style: chr12-21623990-C-G.
Other names: c.1710G>C, p.Leu570Phe (NM_032941.3); c.*2302C>G (NM_001350912.2, NM_001350913.2, NM_024854.5); short protein forms L570F.
Identifiers: ClinVar variation 1778556 (VCV001778556.3), dbSNP rs374038779, ClinGen allele CA384114632.
Genomic context (GRCh38, chr12:21,471,056, plus strand): 5'-CACTTGCATAGTAATAGCATGTGCCTCATTGTTCAGAAGATTAGCTTTAGGTCCTATTTT[C>G]AAATACGAAATGGTAGCATAAGCTGTAAAACTGTAGTCTTCTCTGCAGAAAATAAAGGCC-3'
Protein context (NP_002898.2, residues 560-580): SFTAYATISY[Leu570Phe]KIGPKANLLN